The following is an entry in ClinVar:

ClinVar aggregate classification (germline): Likely benign. Review status: criteria provided, multiple submitters, no conflicts (2 of 4 stars). 4 submissions from 4 submitters: Likely benign (3). 1 of the submissions does not count toward it. Last evaluated 2025-09-11.

Conditions:
NF1-related disorder. Also called: NF1-related condition. Identifiers: MedGen CN379171.
Hereditary cancer-predisposing syndrome. Also called: Tumor predisposition; Neoplastic Syndromes, Hereditary; Hereditary Cancer Syndrome; Hereditary neoplastic syndrome. Identifiers: Orphanet 140162, MedGen C0027672, MeSH D009386, MONDO:0015356.
Cardiovascular phenotype. Identifiers: MedGen CN230736.
Neurofibromatosis, type 1 (NF1). Also called: Peripheral type neurofibromatosis; VON RECKLINGHAUSEN DISEASE; NEUROFIBROMATOSIS, TYPE I, SOMATIC; Neurofibromatosis, type I. Identifiers: Orphanet 636, MedGen C0027831, MONDO:0018975, OMIM 162200. Disease mechanism: loss of function.

Submissions (4):

Labcorp Genetics (formerly Invitae), Labcorp
Classification: Likely benign for Neurofibromatosis, type 1. Last evaluated: 2025-09-11. Review status: criteria provided, single submitter. Criteria: Invitae Variant Classification Sherloc (09022015). Collection method: clinical testing. Allele origin: germline.

Blueprint Genetics
Classification: Likely benign. Last evaluated: 2024-11-25. Review status: criteria provided, single submitter. Criteria: ACMG Guidelines, 2015. Collection method: clinical testing. Allele origin: germline.

Ambry Genetics
Classification: Likely benign for Cardiovascular phenotype; Hereditary cancer-predisposing syndrome. Last evaluated: 2020-09-20. Review status: criteria provided, single submitter. Criteria: Ambry Variant Classification Scheme 2023. Collection method: clinical testing. Allele origin: germline.

PreventionGenetics, part of Exact Sciences
Classification: Likely benign for NF1-related condition. Last evaluated: 2019-09-03. Review status: no assertion criteria provided. Collection method: clinical testing. Allele origin: germline. Not counted in ClinVar's aggregate classification.
Comment: This variant is classified as likely benign based on ACMG/AMP sequence variant interpretation guidelines (Richards et al. 2015 PMID: 25741868, with internal and published modifications).

NM_001042492.3(NF1):c.5688A>G (p.Ser1896=)

Gene: NF1 (neurofibromin 1; plus strand). Cytogenetic location: 17q11.2.
Variant type: single nucleotide variant.
Coding change: c.5688A>G on transcript NM_001042492.3 (MANE Select); coding-DNA position 5688, A replaced by G.
Protein change: p.Ser1896=; no amino-acid change (serine 1896 retained).
Molecular consequence: synonymous variant.
Genome position (GRCh38, 1-based): chr17:31,330,374, A>G. VCF-style: chr17-31330374-A-G. GRCh37 (hg19) VCF-style: chr17-29657392-A-G.
Other names: c.5625A>G, p.Ser1875= (NM_000267.4).
Identifiers: ClinVar variation 788094 (VCV000788094.11), dbSNP rs1597834745, ClinGen allele CA499233442.